The following is an entry in ClinVar:

ClinVar aggregate classification (germline): Uncertain significance. Review status: criteria provided, multiple submitters, no conflicts (2 of 4 stars). 2 submissions from 2 submitters: Uncertain significance (2). Last evaluated 2021-08-17.

Conditions:
Hypertrophic cardiomyopathy 20. Identifiers: MedGen C3151267, MONDO:0013477, OMIM 613876.
Dilated cardiomyopathy 1CC (CMD1CC). Identifiers: Orphanet 154, MedGen C2751084, MONDO:0013147, OMIM 613122.

Submissions (2):

Fulgent Genetics
Classification: Uncertain significance for Dilated cardiomyopathy 1CC; Hypertrophic cardiomyopathy 20. Last evaluated: 2021-08-17. Review status: criteria provided, single submitter. Criteria: ACMG Guidelines, 2015. Collection method: clinical testing. Allele origin: unknown.

Baylor Genetics
Classification: Uncertain significance for Dilated cardiomyopathy 1CC. Last evaluated: 2020-06-01. Review status: criteria provided, single submitter. Criteria: ACMG Guidelines, 2015. Collection method: clinical testing. Allele origin: unknown. Affected: yes.
Comment: This variant was determined to be of uncertain significance according to ACMG Guidelines, 2015 [PMID:25741868].

NM_144573.4(NEXN):c.1640T>A (p.Ile547Asn)

Gene: NEXN (nexilin F-actin binding protein; plus strand). Cytogenetic location: 1p31.1.
Variant type: single nucleotide variant.
Coding change: c.1640T>A on transcript NM_144573.4 (MANE Select); coding-DNA position 1640, T replaced by A.
Protein change: p.Ile547Asn; replaces isoleucine 547 with asparagine.
Molecular consequence: missense variant.
Genome position (GRCh38, 1-based): chr1:77,942,189, T>A. VCF-style: chr1-77942189-T-A. GRCh37 (hg19) VCF-style: chr1-78407874-T-A.
Other names: c.1448T>A, p.Ile483Asn (NM_001172309.2); short protein forms I483N, I547N.
Identifiers: ClinVar variation 1027743 (VCV001027743.2), dbSNP rs753636624, ClinGen allele CA340881589.